The following is an entry in ClinVar:

NM_005359.6(SMAD4):c.718A>G (p.Ile240Val)

Gene: SMAD4 (SMAD family member 4; plus strand). Cytogenetic location: 18q21.2.
Variant type: single nucleotide variant.
Coding change: c.718A>G on transcript NM_005359.6 (MANE Select); coding-DNA position 718, A replaced by G.
Protein change: p.Ile240Val; replaces isoleucine 240 with valine.
Molecular consequence: missense variant.
Genome position (GRCh38, 1-based): chr18:51,058,175, A>G. VCF-style: chr18-51058175-A-G. GRCh37 (hg19) VCF-style: chr18-48584545-A-G.
Other names: short protein forms I240V.
Identifiers: ClinVar variation 921299 (VCV000921299.4), dbSNP rs1909892677, ClinGen allele CA402462795.
Genomic context (GRCh38, chr18:51,058,175, plus strand): 5'-GTTCCTCTAGGTCAGCCTGCCAGTATACTGGGGGGCAGCCATAGTGAAGGACTGTTGCAG[A>G]TAGCATCAGGGCCTCAGCCAGGACAGCAGCAGAATGGATTTACTGGTCAGCCAGCTACTT-3'
Protein context (NP_005350.1, residues 230-250): GGSHSEGLLQ[Ile240Val]ASGPQPGQQQ

ClinVar aggregate classification (germline): Uncertain significance (1 of 4 stars; one submission).

Conditions:
Hereditary cancer-predisposing syndrome. Also called: Neoplastic Syndromes, Hereditary; Tumor predisposition; Hereditary Cancer Syndrome; Hereditary neoplastic syndrome. Identifiers: Orphanet 140162, MedGen C0027672, MeSH D009386, MONDO:0015356.

Submission:

Color Diagnostics, LLC DBA Color Health
Classification: Uncertain significance for Hereditary cancer-predisposing syndrome. Last evaluated: 2024-03-06. Review status: criteria provided, single submitter. Criteria: ACMG Guidelines, 2015. Collection method: clinical testing. Allele origin: germline.
Comment: This missense variant replaces isoleucine with valine at codon 240 of the SMAD4 protein. Computational prediction suggests that this variant may not impact protein structure and function (internally defined REVEL score threshold <= 0.5, PMID: 27666373). Splice site prediction tools suggest that this variant may not impact RNA splicing. To our knowledge, functional studies have not been performed for this variant. This variant has not been reported in individuals affected with hereditary cancer in the literature. This variant has not been identified in the general population by the Genome Aggregation Database (gnomAD). The available evidence is insufficient to determine the role of this variant in disease conclusively. Therefore, this variant is classified as a Variant of Uncertain Significance.